The following is an entry in ClinVar:

ClinVar aggregate classification (germline): Uncertain significance (1 of 4 stars; one submission).

Submission:

Labcorp Genetics (formerly Invitae), Labcorp
Classification: Uncertain significance. Last evaluated: 2022-10-13. Review status: criteria provided, single submitter. Criteria: Invitae Variant Classification Sherloc (09022015). Collection method: clinical testing. Allele origin: germline.
Comment: In summary, the available evidence is currently insufficient to determine the role of this variant in disease. Therefore, it has been classified as a Variant of Uncertain Significance. Algorithms developed to predict the effect of missense changes on protein structure and function are either unavailable or do not agree on the potential impact of this missense change (SIFT: "Deleterious"; PolyPhen-2: "Probably Damaging"; Align-GVGD: "Class C0"). ClinVar contains an entry for this variant (Variation ID: 1347088). This variant has not been reported in the literature in individuals affected with MICAL1-related conditions. This variant is not present in population databases (gnomAD no frequency). This sequence change replaces glutamic acid, which is acidic and polar, with glutamine, which is neutral and polar, at codon 399 of the MICAL1 protein (p.Glu399Gln).

NM_022765.4(MICAL1):c.1138G>C (p.Glu380Gln)

Gene: MICAL1 (microtubule associated monooxygenase, calponin and LIM domain containing 1; minus strand). Cytogenetic location: 6q21.
Variant type: single nucleotide variant.
Coding change: c.1138G>C on transcript NM_022765.4 (MANE Select); coding-DNA position 1138, G replaced by C.
Protein change: p.Glu380Gln; replaces glutamic acid 380 with glutamine.
Molecular consequence: missense variant. On other transcripts: intron variant (1).
Genome position (GRCh38, 1-based): chr6:109,450,353, C>G on the plus strand (G>C on the coding strand, the complement: MICAL1 is on the minus strand). VCF-style: chr6-109450353-C-G. GRCh37 (hg19) VCF-style: chr6-109771556-C-G.
Other names: c.1195G>C, p.Glu399Gln (NM_001286613.2); c.934-268G>C (NM_001159291.2); short protein forms E399Q, E380Q.
Identifiers: ClinVar variation 1347088 (VCV001347088.6), dbSNP rs2115333887, ClinGen allele CA365230932.
Genomic context (GRCh38, chr6:109,450,353, plus strand): 5'-CCCTCACCTCCACCAGGCAGTCCCCCACCAGTCCCAGCAGCAGGCGGGCGCCATGCTTCT[C>G]TTGCACACGAGCAGAACTCTCTGCCCGCATCATGCTCGTGAAGTCAAAGGCAGAGACATC-3'
Protein context (NP_073602.3, residues 370-390): MRAESSARVQ[Glu380Gln]KHGARLLLGL